The following is an entry in ClinVar:

ClinVar aggregate classification (germline): Pathogenic (1 of 4 stars; one submission).

Conditions:
Multiple congenital exostosis (EXT). Also called: Hereditary multiple osteochondromas; Hereditary multiple exostoses; Hereditary multiple exostosis; Multiple osteochondromas; MULTIPLE CARTILAGINOUS EXOSTOSES; Multiple exostoses. Identifiers: Orphanet 321, MedGen C0015306, MONDO:0005508, HP:0002762.

Submission:

Labcorp Genetics (formerly Invitae), Labcorp
Classification: Pathogenic for Multiple congenital exostosis. Last evaluated: 2024-03-01. Review status: criteria provided, single submitter. Criteria: Invitae Variant Classification Sherloc (09022015). Collection method: clinical testing. Allele origin: germline.
Comment: This sequence change creates a premature translational stop signal (p.Arg260Glnfs*29) in the EXT1 gene. It is expected to result in an absent or disrupted protein product. Loss-of-function variants in EXT1 are known to be pathogenic (PMID: 10679937, 11391482, 19810120). This variant is not present in population databases (gnomAD no frequency). This variant has not been reported in the literature in individuals affected with EXT1-related conditions. Algorithms developed to predict the effect of sequence changes on RNA splicing suggest that this variant may create or strengthen a splice site. For these reasons, this variant has been classified as Pathogenic.

Literature cited by the submitters: PubMed 10679937; PubMed 11391482; PubMed 19810120.

NM_000127.3(EXT1):c.776dup (p.Arg260fs)

Gene: EXT1 (exostosin glycosyltransferase 1; minus strand). Cytogenetic location: 8q24.11.
Variant type: Duplication.
Coding change: c.776dup on transcript NM_000127.3 (MANE Select); coding-DNA position 776, one base duplicated (T; older notation c.776dupT).
Protein change: p.Arg260fs; shifts the reading frame from arginine 260.
Molecular consequence: frameshift variant.
Genome position (GRCh38, 1-based): chr8:118,110,271, A duplicated on the plus strand (T on the coding strand, the reverse complement: EXT1 is on the minus strand). VCF-style (leftmost placement, unchanged base first): chr8-118110270-G-GA. GRCh37 (hg19) VCF-style: chr8-119122509-G-GA.
Other names: short protein forms R260fs.
Identifiers: ClinVar variation 3633604 (VCV003633604.2).